The following is an entry in ClinVar:

NM_033026.6(PCLO):c.13984G>A (p.Val4662Ile)

Gene: PCLO (piccolo presynaptic cytomatrix protein; minus strand). Cytogenetic location: 7q21.11.
Variant type: single nucleotide variant.
Coding change: c.13984G>A on transcript NM_033026.6 (MANE Select); coding-DNA position 13984, G replaced by A.
Protein change: p.Val4662Ile; replaces valine 4662 with isoleucine.
Molecular consequence: missense variant.
Genome position (GRCh38, 1-based): chr7:82,845,333, C>T on the plus strand (G>A on the coding strand, the complement: PCLO is on the minus strand). VCF-style: chr7-82845333-C-T. GRCh37 (hg19) VCF-style: chr7-82474649-C-T.
Other names: c.13984G>A, p.Val4662Ile (NM_014510.3); c.13984G>A (NM_033026.5); short protein forms V4662I.
Identifiers: ClinVar variation 1443100 (VCV001443100.7), dbSNP rs772352152, ClinGen allele CA4318974.

ClinVar aggregate classification (germline): Uncertain significance. Review status: criteria provided, multiple submitters, no conflicts (2 of 4 stars). 2 submissions from 2 submitters: Uncertain significance (2). Last evaluated 2025-08-12.

Conditions:
Inborn genetic diseases. Identifiers: MedGen C0950123, MeSH D030342.

Allele frequency attached by ClinVar (database versions not stated): ExAC 0.00001; gnomAD 0.00001.
gnomAD v4.1: 64 of 1,613,396 alleles (0.004%); highest among the groups gnomAD compares: South Asian, 0.0055%; no homozygotes.

Submissions (2):

Ambry Genetics
Classification: Uncertain significance for Inborn genetic diseases. Last evaluated: 2025-08-12. Review status: criteria provided, single submitter. Criteria: Ambry Variant Classification Scheme 2023. Collection method: clinical testing. Allele origin: germline.

Labcorp Genetics (formerly Invitae), Labcorp
Classification: Uncertain significance. Last evaluated: 2022-06-24. Review status: criteria provided, single submitter. Criteria: Invitae Variant Classification Sherloc (09022015). Collection method: clinical testing. Allele origin: germline.
Comment: This sequence change replaces valine, which is neutral and non-polar, with isoleucine, which is neutral and non-polar, at codon 4662 of the PCLO protein (p.Val4662Ile). The frequency data for this variant in the population databases is considered unreliable, as metrics indicate poor data quality at this position in the gnomAD database. This variant has not been reported in the literature in individuals affected with PCLO-related conditions. Algorithms developed to predict the effect of missense changes on protein structure and function are either unavailable or do not agree on the potential impact of this missense change (SIFT: "Deleterious"; PolyPhen-2: "Not Available"; Align-GVGD: "Class C0"). In summary, the available evidence is currently insufficient to determine the role of this variant in disease. Therefore, it has been classified as a Variant of Uncertain Significance.